The following is an entry in ClinVar:

ClinVar aggregate classification (germline): Likely benign. Review status: criteria provided, multiple submitters, no conflicts (2 of 4 stars). 3 submissions from 3 submitters: Likely benign (3). Last evaluated 2025-09-30.

Conditions:
LRP5-related disorder. Also called: LRP5-related condition.

Allele frequency attached by ClinVar (database versions not stated): gnomAD 0.00001; ExAC 0.00004; TOPMed 0.00005; gnomAD exomes 0.00007.
gnomAD v4.1: 17 of 1,606,042 alleles (0.0011%); highest among the groups gnomAD compares: East Asian, 0.033%; no homozygotes.

Submissions (3):

PreventionGenetics, part of Exact Sciences
Classification: Likely benign for LRP5-related condition. Last evaluated: 2025-09-30. Review status: criteria provided, single submitter. Criteria: ACMG Guidelines, 2015. Collection method: clinical testing. Allele origin: germline.
Comment: This variant is classified as likely benign based on ACMG/AMP sequence variant interpretation guidelines (Richards et al. 2015 PMID: 25741868, with internal and published modifications).

Labcorp Genetics (formerly Invitae), Labcorp
Classification: Likely benign. Last evaluated: 2024-07-12. Review status: criteria provided, single submitter. Criteria: Invitae Variant Classification Sherloc (09022015). Collection method: clinical testing. Allele origin: germline.

Blueprint Genetics
Classification: Likely benign. Last evaluated: 2024-04-17. Review status: criteria provided, single submitter. Criteria: ACMG Guidelines, 2015. Collection method: clinical testing. Allele origin: germline.

NM_002335.4(LRP5):c.2793C>T (p.His931=)

Gene: LRP5 (LDL receptor related protein 5; plus strand). Cytogenetic location: 11q13.2.
Variant type: single nucleotide variant.
Coding change: c.2793C>T on transcript NM_002335.4 (MANE Select); coding-DNA position 2793, C replaced by T.
Protein change: p.His931=; no amino-acid change (histidine 931 retained).
Molecular consequence: synonymous variant.
Genome position (GRCh38, 1-based): chr11:68,413,978, C>T. VCF-style: chr11-68413978-C-T. GRCh37 (hg19) VCF-style: chr11-68181446-C-T.
Other names: c.1050C>T, p.His350= (NM_001291902.2); c.2793C>T (NM_002335.3).
Identifiers: ClinVar variation 1550887 (VCV001550887.10), dbSNP rs767740919, ClinGen allele CA6149738.